The following is an entry in ClinVar:

ClinVar aggregate classification (germline): Uncertain significance. Review status: criteria provided, multiple submitters, no conflicts (2 of 4 stars). 2 submissions from 2 submitters: Uncertain significance (2). Last evaluated 2021-06-18.

Conditions:
Familial thoracic aortic aneurysm and aortic dissection (TAAD). Also called: Thoracic aortic aneurysms and dissections. Identifiers: Orphanet 91387, MedGen C4707243, MONDO:0019625.

Submissions (2):

Labcorp Genetics (formerly Invitae), Labcorp
Classification: Uncertain significance for Familial thoracic aortic aneurysm and aortic dissection. Last evaluated: 2021-06-18. Review status: criteria provided, single submitter. Criteria: Invitae Variant Classification Sherloc (09022015). Collection method: clinical testing. Allele origin: germline.
Comment: In summary, the available evidence is currently insufficient to determine the role of this variant in disease. Therefore, it has been classified as a Variant of Uncertain Significance. Advanced modeling of protein sequence and biophysical properties (such as structural, functional, and spatial information, amino acid conservation, physicochemical variation, residue mobility, and thermodynamic stability) performed at Invitae indicates that this missense variant is expected to disrupt TGFBR1 protein function. This variant has not been reported in the literature in individuals with TGFBR1-related conditions. ClinVar contains an entry for this variant (Variation ID: 213889). This variant is not present in population databases (ExAC no frequency). This sequence change replaces glutamic acid with lysine at codon 382 of the TGFBR1 protein (p.Glu382Lys). The glutamic acid residue is highly conserved and there is a small physicochemical difference between glutamic acid and lysine.

GeneDx
Classification: Uncertain significance. Last evaluated: 2020-10-15. Review status: criteria provided, single submitter. Criteria: GeneDx Variant Classification Process June 2021. Collection method: clinical testing. Allele origin: germline. Affected: yes.
Comment: Has not been previously published as pathogenic or benign to our knowledge; Not observed in large population cohorts (Lek et al., 2016); In silico analysis, which includes protein predictors and evolutionary conservation, supports a deleterious effect

NM_004612.4(TGFBR1):c.1144G>A (p.Glu382Lys)

Gene: TGFBR1 (transforming growth factor beta receptor 1; plus strand). Cytogenetic location: 9q22.33.
Variant type: single nucleotide variant.
Coding change: c.1144G>A on transcript NM_004612.4 (MANE Select); coding-DNA position 1144, G replaced by A.
Protein change: p.Glu382Lys; replaces glutamic acid 382 with lysine.
Molecular consequence: missense variant.
Genome position (GRCh38, 1-based): chr9:99,146,498, G>A. VCF-style: chr9-99146498-G-A. GRCh37 (hg19) VCF-style: chr9-101908780-G-A.
Other names: p.E382K:GAA>AAA; c.913G>A, p.Glu305Lys (NM_001130916.3); c.1156G>A, p.Glu386Lys (NM_001306210.2); short protein forms E382K, E305K, E386K.
Identifiers: ClinVar variation 213889 (VCV000213889.11), dbSNP rs863223824, ClinGen allele CA320850.
Genomic context (GRCh38, chr9:99,146,498, plus strand): 5'-GCAGTAAGGGGATGATTTTCAAAGTTCTTTTTGCAAATTTTTTTTAGGTACATGGCCCCT[G>A]AAGTTCTCGATGATTCCATAAATATGAAACATTTTGAATCCTTCAAACGTGCTGACATCT-3'
Protein context (NP_004603.1, residues 372-392): RVGTKRYMAP[Glu382Lys]VLDDSINMKH